The following is an entry in ClinVar:

NM_001379500.1(COL18A1):c.3434A>G (p.His1145Arg)

Genes: COL18A1 (collagen type XVIII alpha 1 chain; plus strand), SLC19A1 (solute carrier family 19 member 1; minus strand). Cytogenetic location: 21q22.3.
Variant type: single nucleotide variant.
Coding change: c.3434A>G on transcript NM_001379500.1 (MANE Select); coding-DNA position 3434, A replaced by G.
Protein change: p.His1145Arg; replaces histidine 1145 with arginine.
Molecular consequence: missense variant.
Genome position (GRCh38, 1-based): chr21:45,509,540, A>G. VCF-style: chr21-45509540-A-G. GRCh37 (hg19) VCF-style: chr21-46929454-A-G.
Other names: c.3965A>G, p.His1322Arg (NM_030582.4); c.4670A>G, p.His1557Arg (NM_130444.3); short protein forms H1557R, H1145R, H1322R.
Identifiers: ClinVar variation 1352724 (VCV001352724.6), dbSNP rs1436461236, ClinGen allele CA410501077.
Genomic context (GRCh38, chr21:45,509,540, plus strand): 5'-CCCCTCGCCTGCCCGAGCCCCAGCCCTACCCCGGAGCCCCGCACCACAGCTCCTACGTGC[A>G]CCTGCGGCCGGCGCGACCCACAAGCCCACCCGCCCACAGCCACCGCGACTTCCAGCCGGT-3'
Protein context (NP_001366429.1, residues 1135-1155): PGAPHHSSYV[His1145Arg]LRPARPTSPP

ClinVar aggregate classification (germline): Uncertain significance (1 of 4 stars; one submission).

Allele frequency attached by ClinVar (database versions not stated): gnomAD exomes 0.00001.
gnomAD v4.1: 2 of 1,538,306 alleles (0.00013%); highest among the groups gnomAD compares: East Asian, 0.0048%; no homozygotes.

Submission:

Labcorp Genetics (formerly Invitae), Labcorp
Classification: Uncertain significance. Last evaluated: 2025-01-06. Review status: criteria provided, single submitter. Criteria: Invitae Variant Classification Sherloc (09022015). Collection method: clinical testing. Allele origin: germline.
Comment: This sequence change replaces histidine, which is basic and polar, with arginine, which is basic and polar, at codon 1142 of the COL18A1 protein (p.His1142Arg). The frequency data for this variant in the population databases is considered unreliable, as metrics indicate poor data quality at this position in the gnomAD database. This variant has not been reported in the literature in individuals affected with COL18A1-related conditions. ClinVar contains an entry for this variant (Variation ID: 1352724). Experimental studies and prediction algorithms are not available or were not evaluated, and the functional significance of this variant is currently unknown. In summary, the available evidence is currently insufficient to determine the role of this variant in disease. Therefore, it has been classified as a Variant of Uncertain Significance.